The following is an entry in ClinVar:

NM_001040142.2(SCN2A):c.468G>T (p.Lys156Asn)

Gene: SCN2A (sodium voltage-gated channel alpha subunit 2; plus strand). Cytogenetic location: 2q24.3.
Variant type: single nucleotide variant.
Coding change: c.468G>T on transcript NM_001040142.2 (MANE Select); coding-DNA position 468, G replaced by T.
Protein change: p.Lys156Asn; replaces lysine 156 with asparagine.
Molecular consequence: missense variant.
Genome position (GRCh38, 1-based): chr2:165,307,929, G>T. VCF-style: chr2-165307929-G-T. GRCh37 (hg19) VCF-style: chr2-166164439-G-T.
Other names: c.468G>T, p.Lys156Asn (NM_001040143.2, NM_001371246.1, NM_001371247.1 and 1 more transcripts); short protein forms K156N.
Identifiers: ClinVar variation 3340847 (VCV003340847.2).

ClinVar aggregate classification (germline): Pathogenic/Likely pathogenic. Review status: criteria provided, multiple submitters, no conflicts (2 of 4 stars). 2 submissions from 2 submitters: Pathogenic (1); Likely pathogenic (1). Last evaluated 2024-07-01.

Conditions:
Developmental and epileptic encephalopathy, 11 (DEE11). Also called: Early infantile epileptic encephalopathy 11. Identifiers: Orphanet 1934, MedGen C3150987, MONDO:0013388, OMIM 613721.

Submissions (2):

3billion
Classification: Likely pathogenic for Developmental and epileptic encephalopathy, 11. Last evaluated: 2024-07-01. Review status: criteria provided, single submitter. Criteria: ACMG Guidelines, 2015. Collection method: clinical testing. Allele origin: germline. Affected: yes.
Comment: The variant is not observed in the gnomAD v4.0.0 dataset. Predicted Consequence/Location: Missense variant In silico tool predictions suggest damaging effect of the variant on gene or gene product [REVEL: 0.81 (>=0.6, sensitivity 0.68 and specificity 0.92); 3Cnet: 0.77 (>=0.6, sensitivity 0.72 and precision 0.9)]. The different nucleotide change resulting in the same amino acid change has been previously reported to be associated with SCN2A related disorder(PMID: 37152433). The variant has been previously reported as assumed (i.e. paternity and maternity not confirmed) de novo in at least one similarly affected unrelated individual (PMID: 37152433). Different missense changes at the same codon (p.Lys156Gln, p.Lys156Glu) have been reported to be associated with SCN2A related disorder (ClinVar ID: VCV000933619, VCV001335404 /PMID: 35431799). Therefore, this variant is classified as Likely pathogenic according to the recommendation of ACMG/AMP guideline.

GeneDx
Classification: Pathogenic. Last evaluated: 2023-06-21. Review status: criteria provided, single submitter. Criteria: GeneDx Variant Classification Process June 2021. Collection method: clinical testing. Allele origin: germline. Affected: yes.
Comment: This substitution is predicted to be within the transmembrane segment S2 of the first homologous domain; Not observed at significant frequency in large population cohorts (gnomAD); In silico analysis supports that this missense variant has a deleterious effect on protein structure/function; Missense variants in this gene are often considered pathogenic (HGMD); This variant is associated with the following publications: (PMID: 31175295)

Literature cited by the submitters: PubMed 35431799 (cited by 3billion); PubMed 37152433 (cited by 3billion).